The following is an entry in ClinVar:

NM_001349798.2(FBXW7):c.981_985del (p.Glu328fs)

Gene: FBXW7 (F-box and WD repeat domain containing 7; minus strand). Cytogenetic location: 4q31.3.
Variant type: Deletion.
Coding change: c.981_985del on transcript NM_001349798.2 (MANE Select); coding-DNA positions 981 to 985, 5 bases deleted (AGAGG; older notation c.981_985delAGAGG).
Protein change: p.Glu328fs; shifts the reading frame from glutamic acid 328.
Molecular consequence: frameshift variant.
Genome position (GRCh38, 1-based): chr4:152,332,596-152,332,600, CCTCT deleted on the plus strand (AGAGG on the coding strand, the reverse complement: FBXW7 is on the minus strand). VCF-style (leftmost placement, unchanged base first): chr4-152332595-CCCTCT-C. GRCh37 (hg19) VCF-style: chr4-153253747-CCCTCT-C.
Other names: c.627_631del, p.Glu210fs (NM_001013415.2); c.741_745del, p.Glu248fs (NM_018315.5); c.981_985del, p.Glu328fs (NM_033632.3); short protein forms E248fs, E210fs, E328fs.
Identifiers: ClinVar variation 3630384 (VCV003630384.2).
Genomic context (GRCh38, chr4:152,332,595, plus strand): 5'-TTTCAGAATCACTCTGCTTTTCAAAGTATAAACATATTCTCTATGCAATTTTGAACCTTA[CCCTCT>C]TCTTTGCATTTCTCTCTCCAGAGAAGGTTGTCTTCAGCCAAAATTCTCCAGTAGCGACAT-3'

ClinVar aggregate classification (germline): Pathogenic (1 of 4 stars; one submission).

Submission:

Labcorp Genetics (formerly Invitae), Labcorp
Classification: Pathogenic. Last evaluated: 2024-06-04. Review status: criteria provided, single submitter. Criteria: Invitae Variant Classification Sherloc (09022015). Collection method: clinical testing. Allele origin: germline.
Comment: This sequence change creates a premature translational stop signal (p.Glu328Aspfs*2) in the FBXW7 gene. It is expected to result in an absent or disrupted protein product. Loss-of-function variants in FBXW7 are known to be pathogenic (PMID: 35395208). This variant is present in population databases (no rsID available, gnomAD 0.003%). This premature translational stop signal has been observed in individual(s) with FBXW7-related conditions (Invitae). Algorithms developed to predict the effect of sequence changes on RNA splicing suggest that this variant may disrupt the consensus splice site. For these reasons, this variant has been classified as Pathogenic.

Literature cited by the submitters: PubMed 35395208.